The following is an entry in ClinVar:

ClinVar aggregate classification (germline): Pathogenic (1 of 4 stars; one submission).

Submission:

Labcorp Genetics (formerly Invitae), Labcorp
Classification: Pathogenic. Last evaluated: 2022-08-24. Review status: criteria provided, single submitter. Criteria: Invitae Variant Classification Sherloc (09022015). Collection method: clinical testing. Allele origin: germline.
Comment: This sequence change creates a premature translational stop signal (p.Leu218Serfs*16) in the SEPSECS gene. It is expected to result in an absent or disrupted protein product. Loss-of-function variants in SEPSECS are known to be pathogenic (PMID: 25558065, 25590979, 26115735). This variant is not present in population databases (gnomAD no frequency). This variant has not been reported in the literature in individuals affected with SEPSECS-related conditions. For these reasons, this variant has been classified as Pathogenic.

Literature cited by the submitters: PubMed 25558065; PubMed 25590979; PubMed 26115735.

NM_016955.4(SEPSECS):c.651dup (p.Leu218fs)

Gene: SEPSECS (Sep (O-phosphoserine) tRNA:Sec (selenocysteine) tRNA synthase; minus strand). Cytogenetic location: 4p15.2.
Variant type: Duplication.
Coding change: c.651dup on transcript NM_016955.4 (MANE Select); coding-DNA position 651, one base duplicated (T; older notation c.651dupT).
Protein change: p.Leu218fs; shifts the reading frame from leucine 218.
Molecular consequence: frameshift variant.
Genome position (GRCh38, 1-based): chr4:25,155,048, A duplicated on the plus strand (T on the coding strand, the reverse complement: SEPSECS is on the minus strand); the first of 2 consecutive A bases (chr4:25,155,048-25,155,049); duplicating either gives the same sequence. VCF-style (leftmost placement, unchanged base first): chr4-25155047-G-GA. GRCh37 (hg19) VCF-style: chr4-25156669-G-GA.
Other names: c.905dup, p.Leu303Serfs (NM_001410714.1); c.650dup, p.Leu218Serfs (NM_153825.2); short protein forms L218fs.
Identifiers: ClinVar variation 2023922 (VCV002023922.4), dbSNP rs2474678090, ClinGen allele CA2580070930.